The following is an entry in ClinVar:

NM_001015877.2(PHF6):c.977G>A (p.Cys326Tyr)

Gene: PHF6 (PHD finger protein 6; plus strand). Cytogenetic location: Xq26.2.
Variant type: single nucleotide variant.
Coding change: c.977G>A on transcript NM_001015877.2 (MANE Select); coding-DNA position 977, G replaced by A.
Protein change: p.Cys326Tyr; replaces cysteine 326 with tyrosine.
Molecular consequence: missense variant.
Genome position (GRCh38, 1-based): chrX:134,425,209, G>A. VCF-style: chrX-134425209-G-A. GRCh37 (hg19) VCF-style: chrX-133559239-G-A.
Other names: c.977G>A, p.Cys326Tyr (NM_032458.3); short protein forms C326Y.
Identifiers: ClinVar variation 1691047 (VCV001691047.2), dbSNP rs2124261531, ClinGen allele CA414708034.

ClinVar aggregate classification (germline): Uncertain significance (1 of 4 stars; one submission).

Submission:

Laboratorio de Genetica e Diagnostico Molecular, Hospital Israelita Albert Einstein
Classification: Uncertain significance. Last evaluated: 2021-09-03. Review status: criteria provided, single submitter. Criteria: ACMG Guidelines, 2015. Collection method: clinical testing. Allele origin: germline. Affected: yes.
Comment: ACMG classification criteria: PM2, PP3